The following is an entry in ClinVar:

NM_001151.4(SLC25A4):c.681G>A (p.Val227=)

Gene: SLC25A4 (solute carrier family 25 member 4; plus strand). Cytogenetic location: 4q35.1.
Variant type: single nucleotide variant.
Coding change: c.681G>A on transcript NM_001151.4 (MANE Select); coding-DNA position 681, G replaced by A.
Protein change: p.Val227=; no amino-acid change (valine 227 retained).
Molecular consequence: synonymous variant.
Genome position (GRCh38, 1-based): chr4:185,145,841, G>A. VCF-style: chr4-185145841-G-A. GRCh37 (hg19) VCF-style: chr4-186066995-G-A.
Other names: p.V227V:GTG>GTA; p.Val227=.
Identifiers: ClinVar variation 139152 (VCV000139152.61), dbSNP rs34486484, ClinGen allele CA293539.

ClinVar aggregate classification (germline): Benign. Review status: criteria provided, multiple submitters, no conflicts (2 of 4 stars). 8 submissions from 8 submitters: Benign (8). Last evaluated 2026-01-26.

Conditions:
Progressive external ophthalmoplegia with mitochondrial DNA deletions, autosomal dominant 2. Also called: PROGRESSIVE EXTERNAL OPHTHALMOPLEGIA, AUTOSOMAL DOMINANT 2. Identifiers: MedGen C1836460, MONDO:0012238, OMIM 609283.

Allele frequency attached by ClinVar (database versions not stated): gnomAD exomes 0.00270; ExAC 0.00337; gnomAD 0.00899 and 0.00972; ESP Exome Variant Server 0.00946; TOPMed 0.01021; 1000 Genomes Project 0.01098; 1000 Genomes Project 30x 0.01109.
gnomAD v4.1: 3,179 of 1,614,218 alleles (0.2%); highest among the groups gnomAD compares: African/African-American, 3.2%; 44 homozygotes.

Submissions (8):

Labcorp Genetics (formerly Invitae), Labcorp
Classification: Benign. Last evaluated: 2026-01-26. Review status: criteria provided, single submitter. Criteria: Invitae Variant Classification Sherloc (09022015). Collection method: clinical testing. Allele origin: germline.

Women's Health and Genetics/Laboratory Corporation of America, LabCorp
Classification: Benign. Last evaluated: 2024-11-19. Review status: criteria provided, single submitter. Criteria: LabCorp Variant Classification Summary - May 2015. Collection method: clinical testing. Allele origin: germline.

Mayo Clinic Laboratories, Mayo Clinic
Classification: Benign. Last evaluated: 2024-10-14. Review status: criteria provided, single submitter. Criteria: ACMG Guidelines, 2015. Collection method: clinical testing. Allele origin: germline. Observed: 14 variant alleles.
Comment: BS1, BS2, BP4, BP7

ARUP Laboratories, Molecular Genetics and Genomics, ARUP Laboratories
Classification: Benign. Last evaluated: 2023-11-22. Review status: criteria provided, single submitter. Criteria: ARUP Molecular Germline Variant Investigation Process 2024. Collection method: clinical testing. Allele origin: germline.

Illumina Laboratory Services, Illumina
Classification: Benign for Progressive external ophthalmoplegia with mitochondrial DNA deletions, autosomal dominant 2. Last evaluated: 2018-01-12. Review status: criteria provided, single submitter. Criteria: ICSL Variant Classification Criteria 13 December 2019. Collection method: clinical testing. Allele origin: germline.
Comment: This variant was observed in the ICSL laboratory as part of a predisposition screen in an ostensibly healthy population. It had not been previously curated by ICSL or reported in the Human Gene Mutation Database (HGMD: prior to June 1st, 2018), and was therefore a candidate for classification through an automated scoring system. Utilizing variant allele frequency, disease prevalence and penetrance estimates, and inheritance mode, an automated score was calculated to assess if this variant is too frequent to cause the disease. Based on the score and internal cut-off values, a variant classified as benign is not then subjected to further curation. The score for this variant resulted in a classification of benign for this disease.

GeneDx
Classification: Benign. Last evaluated: 2013-05-08. Review status: criteria provided, single submitter. Criteria: GeneDx Variant Classification (06012015). Collection method: clinical testing. Allele origin: germline. Affected: yes.
Comment: This variant is considered likely benign or benign based on one or more of the following criteria: it is a conservative change, it occurs at a poorly conserved position in the protein, it is predicted to be benign by multiple in silico algorithms, and/or has population frequency not consistent with disease.

Breakthrough Genomics
Classification: Benign. Review status: criteria provided, single submitter. Criteria: ACMG Guidelines, 2015. Collection method: not provided. Allele origin: germline. Inheritance: Autosomal recessive inheritance. Affected: yes.

PreventionGenetics, part of Exact Sciences
Classification: Benign. Review status: criteria provided, single submitter. Criteria: ACMG Guidelines, 2015. Collection method: clinical testing. Allele origin: germline.